The following is an entry in ClinVar:

ClinVar aggregate classification (germline): Uncertain significance (1 of 4 stars; one submission).

Conditions:
Hypertrophic cardiomyopathy. Also called: HYPERTROPHIC MYOCARDIOPATHY. Identifiers: Orphanet 217569, MedGen C0007194, MeSH D002312, MONDO:0005045, HP:0001639.

gnomAD v4.1: 2 of 1,614,230 alleles (0.00012%); highest among the groups gnomAD compares: Non-Finnish European, 0.000085%; no homozygotes.

Submission:

Labcorp Genetics (formerly Invitae), Labcorp
Classification: Uncertain significance for Hypertrophic cardiomyopathy. Last evaluated: 2025-11-09. Review status: criteria provided, single submitter. Criteria: Invitae Variant Classification Sherloc (09022015). Collection method: clinical testing. Allele origin: germline.
Comment: This sequence change replaces alanine, which is neutral and non-polar, with valine, which is neutral and non-polar, at codon 1744 of the MYH7 protein (p.Ala1744Val). This variant is present in population databases (rs752406339, gnomAD 0.002%). This variant has not been reported in the literature in individuals affected with MYH7-related conditions. Invitae Evidence Modeling of protein sequence and biophysical properties (such as structural, functional, and spatial information, amino acid conservation, physicochemical variation, residue mobility, and thermodynamic stability) has been performed for this missense variant. However, the output from this modeling did not meet the statistical confidence thresholds required to predict the impact of this variant on MYH7 protein function. In summary, the available evidence is currently insufficient to determine the role of this variant in disease. Therefore, it has been classified as a Variant of Uncertain Significance.

NM_000257.4(MYH7):c.5231C>T (p.Ala1744Val)

Genes: MYH7 (myosin heavy chain 7; minus strand), LOC126861897 (BRD4-independent group 4 enhancer GRCh37_chr14:23884455-23885654; plus strand). Cytogenetic location: 14q11.2.
Variant type: single nucleotide variant.
Coding change: c.5231C>T on transcript NM_000257.4 (MANE Select); coding-DNA position 5231, C replaced by T.
Protein change: p.Ala1744Val; replaces alanine 1744 with valine.
Molecular consequence: missense variant.
Genome position (GRCh38, 1-based): chr14:23,415,433, G>A on the plus strand (C>T on the coding strand, the complement: MYH7 is on the minus strand). VCF-style: chr14-23415433-G-A. GRCh37 (hg19) VCF-style: chr14-23884642-G-A.
Other names: c.5231C>T, p.Ala1744Val (NM_001407004.1); short protein forms A1744V.
Identifiers: ClinVar variation 4752767 (VCV004752767.1).
Genomic context (GRCh38, chr14:23,415,433, plus strand): 5'-GGACTTACATCCGTGATGGCCTTCTTGGCCTTCTCCTCAGCATTCCTGCACTCCTGCACT[G>A]CCTCCTCCACTTCAGTCTGGAGCTGGGACAGGTCAGCATCCATCTTCTTCTTCTGGTTGA-3'
Protein context (NP_000248.2, residues 1734-1754): LSQLQTEVEE[Ala1744Val]VQECRNAEEK